The following is an entry in ClinVar:

ClinVar aggregate classification (germline): Uncertain significance (1 of 4 stars; one submission).

Submission:

Labcorp Genetics (formerly Invitae), Labcorp
Classification: Uncertain significance. Last evaluated: 2020-09-09. Review status: criteria provided, single submitter. Criteria: Invitae Variant Classification Sherloc (09022015). Collection method: clinical testing. Allele origin: germline.
Comment: This variant is not present in population databases (ExAC no frequency). This variant has not been reported in the literature in individuals with ABHD12-related conditions. Algorithms developed to predict the effect of missense changes on protein structure and function (SIFT, PolyPhen-2, Align-GVGD) all suggest that this variant is likely to be tolerated, but these predictions have not been confirmed by published functional studies and their clinical significance is uncertain. In summary, the available evidence is currently insufficient to determine the role of this variant in disease. Therefore, it has been classified as a Variant of Uncertain Significance. This sequence change replaces aspartic acid with glycine at codon 237 of the ABHD12 protein (p.Asp237Gly). The aspartic acid residue is moderately conserved and there is a moderate physicochemical difference between aspartic acid and glycine.

NM_001042472.3(ABHD12):c.710A>G (p.Asp237Gly)

Genes: ABHD12 (abhydrolase domain containing 12, lysophospholipase; minus strand), LOC126863008 (CDK7 strongly-dependent group 2 enhancer GRCh37_chr20:25289826-25291025; plus strand). Cytogenetic location: 20p11.21.
Variant type: single nucleotide variant.
Coding change: c.710A>G on transcript NM_001042472.3 (MANE Select); coding-DNA position 710, A replaced by G.
Protein change: p.Asp237Gly; replaces aspartic acid 237 with glycine.
Molecular consequence: missense variant.
Genome position (GRCh38, 1-based): chr20:25,309,485, T>C on the plus strand (A>G on the coding strand, the complement: ABHD12 is on the minus strand). VCF-style: chr20-25309485-T-C. GRCh37 (hg19) VCF-style: chr20-25290121-T-C.
Other names: c.710A>G, p.Asp237Gly (NM_015600.5); short protein forms D237G.
Identifiers: ClinVar variation 962846 (VCV000962846.10), dbSNP rs2088808938, ClinGen allele CA408456138.